The following continues an entry in ClinVar:

NM_000059.4(BRCA2):c.7758G>A (p.Trp2586Ter)

Gene: BRCA2. ClinVar aggregate classification (germline): Pathogenic. Pathogenic (1).

Submissions 12 to 21 of 21:

GeneDx
Classification: Pathogenic. Last evaluated: 2019-04-16. Review status: criteria provided, single submitter. Criteria: GeneDx Variant Classification Process June 2021. Collection method: clinical testing. Allele origin: germline. Affected: yes. Not counted in ClinVar's aggregate classification.
Comment: Nonsense variant predicted to result in protein truncation or nonsense mediated decay in a gene for which loss-of-function is a known mechanism of disease; Not observed in large population cohorts (Lek 2016); Truncating variants in this gene are considered pathogenic by a well-established clinical consortium and/or database; Also known as BRCA2 7986G>A using alternate nomenclature; This variant is associated with the following publications: (PMID: 25628955, 11802209, 17761984, 24333842, 16140926, 25525159, 25371446, 21702907, 26564481, 16528604, 29446198, 31447099)

Quest Diagnostics Nichols Institute San Juan Capistrano
Classification: Pathogenic. Last evaluated: 2018-06-06. Review status: criteria provided, single submitter. Criteria: Quest Diagnostics criteria. Collection method: clinical testing. Allele origin: germline. Not counted in ClinVar's aggregate classification.

Laboratory for Molecular Medicine, Mass General Brigham Personalized Medicine
Classification: Pathogenic for Hereditary breast ovarian cancer syndrome. Last evaluated: 2017-03-13. Review status: criteria provided, single submitter. Criteria: LMM Criteria. Collection method: clinical testing. Allele origin: germline. Inheritance: Autosomal dominant inheritance. Observed: 1 variant allele. Not counted in ClinVar's aggregate classification.
Comment: The p.Trp2586X variant in BRCA2 has been reported >5 individuals with BRCA2-asso ciated cancers (Meindl 2002, Callahan 2007, Conner 2014, Nahleh 2015, and Breast Cancer Information Core (BIC) database) and was absent from large population st udies. This nonsense variant leads to a premature termination codon at position 2586, which is predicted to lead to a truncated or absent protein. Heterozygous loss of function of the BRCA2 gene is an established disease mechanism in heredi tary breast and ovarian cancer (HBOC). In addition, this variant was classified as Pathogenic on September 8, 2016 by the ClinGen-approved ENIGMA expert panel ( ClinVar SCV000301200.2). In summary, this variant meets criteria to be classifie d as pathogenic for HBOC in an autosomal dominant manner based upon absence in c ontrols and the predicted impact to the protein.

Women's Health and Genetics/Laboratory Corporation of America, LabCorp
Classification: Pathogenic for Hereditary breast ovarian cancer syndrome. Last evaluated: 2016-05-04. Review status: criteria provided, single submitter. Criteria: LabCorp Variant Classification Summary - May 2015. Collection method: clinical testing. Allele origin: germline. Not counted in ClinVar's aggregate classification.
Comment: Variant summary: The BRCA2 variant, c.7758G>A (p.Trp2586X) causes a nonsense mutation involving a conserved nucleotide resulting in a premature termination codon, a known mechanism for disease, as these types of variants are predicted to cause transcript degradation through nonsense mediated decay or produce a truncated protein. The variant of interest was not observed in controls (ExAC, 1000 Gs or ESP) and has been reported in multiple affected individuals via publications. In addition, multiple reputable databases/clinical laboratories cite the variant as "pathogenic." Therefore, taking all available lines of evidence into consideration, the variant of interest is classified as Pathogenic.

Consortium of Investigators of Modifiers of BRCA1/2 (CIMBA), c/o University of Cambridge
Classification: Pathogenic for Breast-ovarian cancer, familial, susceptibility to, 2. Last evaluated: 2015-10-02. Review status: criteria provided, single submitter. Criteria: CIMBA Mutation Classification guidelines May 2016. Collection method: clinical testing. Allele origin: germline. Not counted in ClinVar's aggregate classification.

Research Molecular Genetics Laboratory, Women's College Hospital, University of Toronto
Classification: Pathogenic for Hereditary breast ovarian cancer syndrome. Last evaluated: 2014-01-31. Review status: no assertion criteria provided. Collection method: research. Allele origin: germline. Affected: yes. Study: The Canadian Open Genetics Repository (COGR). Not counted in ClinVar's aggregate classification.

Sharing Clinical Reports Project (SCRP)
Classification: Pathogenic for Breast-ovarian cancer, familial 2. Last evaluated: 2008-06-09. Review status: no assertion criteria provided. Collection method: clinical testing. Allele origin: germline. Not counted in ClinVar's aggregate classification.

Breast Cancer Information Core (BIC) (BRCA2)
Classification: Pathogenic for Breast-ovarian cancer, familial 2. Last evaluated: 2004-02-20. Review status: no assertion criteria provided. Collection method: clinical testing. Allele origin: germline. Affected: yes. Observed: 2 variant alleles. Not counted in ClinVar's aggregate classification.

Department of Pathology and Laboratory Medicine, Sinai Health System
Classification: Pathogenic for Breast-ovarian cancer, familial, susceptibility to, 2. Review status: no assertion criteria provided. Collection method: clinical testing. Allele origin: unknown. Affected: yes. Study: The Canadian Open Genetics Repository (COGR). Not counted in ClinVar's aggregate classification.
Comment: The BRCA2 p.Trp2586* variant was identified in 18 of 62552 proband chromosomes (frequency: 0.0003) from individuals or families with breast and ovarian cancer (Callahan 2007, George 2013, Meindl 2002, Nahleh 2014, Perkowska 2003, Sinilnikova 2006, Weitzel 2005, Rebbeck 2018). The variant was also identified in dbSNP (ID: rs80359004) as "With Pathogenic allele", in ClinVar (classified 11x as Pathogenic by GeneDx, Ambry Genetics, SCRP and 8 other submitters), in Cosmic (identified once in squamous cell carcinoma from skin tissue and confirmed somatic status), in the LOVD 3.0 (8x pathogenic) and in the UMD-LSDB (1 record of causal biological significance) databases. The variant was not identified in the following control databases: the Exome Aggregation Consortium (August 8th 2016), or the Genome Aggregation Database (Feb 27, 2017). The p.Trp2586* variant leads to a premature stop codon at position 2586, which is predicted to lead to a truncated or absent protein and loss of function. Loss of function variants of the BRCA2 gene are an established mechanism of disease in hereditary breast and ovarian cancer and is the type of variant expected to cause the disorder. In summary, based on the above information this variant meets our laboratoryâ€šÃ„Ã´s criteria to be classified as pathogenic.

Laboratory of Urology, Hospital Clinic de Barcelona
Classification: Pathogenic for Malignant tumor of urinary bladder. Review status: no assertion criteria provided. Collection method: research. Allele origin: somatic. Affected: yes. Not counted in ClinVar's aggregate classification.

Literature cited by the submitters: PubMed 20104584 (cited by Labcorp Genetics (formerly Invitae), Labcorp); PubMed 2673801 (cited by Labcorp Genetics (formerly Invitae), Labcorp); PubMed 11802209 (cited by 4 submitters); PubMed 16140926 (cited by Labcorp Genetics (formerly Invitae), Labcorp and Ambry Genetics); PubMed 23035815 (cited by Labcorp Genetics (formerly Invitae), Labcorp and Ambry Genetics); PubMed 23633455 (cited by Labcorp Genetics (formerly Invitae), Labcorp and Ambry Genetics); PubMed 26681682 (cited by Labcorp Genetics (formerly Invitae), Labcorp and Ambry Genetics); PubMed 24333842 (cited by 3 submitters); PubMed 25628955 (cited by 4 submitters); PubMed 33471991 (cited by Color Diagnostics, LLC DBA Color Health and Ambry Genetics); PubMed 34377931 (cited by Color Diagnostics, LLC DBA Color Health); PubMed 12673801 (cited by Ambry Genetics); PubMed 16030099 (cited by Ambry Genetics and Women's Health and Genetics/Laboratory Corporation of America, LabCorp); PubMed 16528604 (cited by Ambry Genetics and Women's Health and Genetics/Laboratory Corporation of America, LabCorp); PubMed 17761984 (cited by Ambry Genetics and Laboratory for Molecular Medicine, Mass General Brigham Personalized Medicine); PubMed 19620486 (cited by Ambry Genetics and Women's Health and Genetics/Laboratory Corporation of America, LabCorp); PubMed 29446198 (cited by Ambry Genetics).